The following is an entry in ClinVar:

ClinVar aggregate classification (germline): Uncertain significance (1 of 4 stars; one submission).

Submission:

GeneDx
Classification: Uncertain significance. Last evaluated: 2024-01-29. Review status: criteria provided, single submitter. Criteria: GeneDx Variant Classification Process June 2021. Collection method: clinical testing. Allele origin: germline. Affected: yes.
Comment: Not observed at significant frequency in large population cohorts (gnomAD); In silico analysis supports that this missense variant has a deleterious effect on protein structure/function; Has not been previously published as pathogenic or benign to our knowledge

NM_005120.3(MED12):c.5221C>T (p.Pro1741Ser)

Gene: MED12 (mediator complex subunit 12; plus strand). Cytogenetic location: Xq13.1.
Variant type: single nucleotide variant.
Coding change: c.5221C>T on transcript NM_005120.3 (MANE Select); coding-DNA position 5221, C replaced by T.
Protein change: p.Pro1741Ser; replaces proline 1741 with serine.
Molecular consequence: missense variant.
Genome position (GRCh38, 1-based): chrX:71,136,476, C>T. VCF-style: chrX-71136476-C-T. GRCh37 (hg19) VCF-style: chrX-70356326-C-T.
Other names: short protein forms P1741S.
Identifiers: ClinVar variation 3368177 (VCV003368177.1).